The following is an entry in ClinVar:

ClinVar aggregate classification (germline): Pathogenic. Review status: criteria provided, multiple submitters, no conflicts (2 of 4 stars). 2 submissions from 2 submitters: Pathogenic (2). Last evaluated 2026-06-17.

Conditions:
Polycystic kidney disease, adult type (PKD1). Also called: Polycystic Kidney Disease 1, Autosomal Dominant; Polycystic kidney disease 1; Polycystic kidney disease 1, severe; Polycystic Kidney, Autosomal Dominant; POLYCYSTIC KIDNEY DISEASE, ADULT, TYPE I; POLYCYSTIC KIDNEY DISEASE 1 WITH OR WITHOUT POLYCYSTIC LIVER DISEASE. Identifiers: MedGen C3149841, MONDO:0008263, OMIM 173900.
PKD1-related disorder. Also called: PKD1-related condition.

Submissions (2):

PreventionGenetics, part of Exact Sciences
Classification: Pathogenic for PKD1-related condition. Last evaluated: 2026-06-17. Review status: criteria provided, single submitter. Criteria: ACMG Guidelines, 2015. Collection method: clinical testing. Allele origin: germline.
Comment: The PKD1 c.11722dupC variant is predicted to result in a frameshift and premature protein termination (p.Leu3908Profs*53). To our knowledge, this variant has not been reported in the literature or in a large population database (gnomAD), indicating this variant is rare. Frameshift variants in PKD1 are expected to be pathogenic. This variant is interpreted as pathogenic.

Baylor Genetics
Classification: Pathogenic for Polycystic kidney disease, adult type. Last evaluated: 2021-02-19. Review status: criteria provided, single submitter. Criteria: ACMG Guidelines, 2015. Collection method: clinical testing. Allele origin: unknown.

NM_001009944.3(PKD1):c.11722dup (p.Leu3908fs)

Gene: PKD1 (polycystin 1, transient receptor potential channel interacting; minus strand). Cytogenetic location: 16p13.3.
Variant type: Duplication.
Coding change: c.11722dup on transcript NM_001009944.3 (MANE Select); coding-DNA position 11722, one base duplicated (C; older notation c.11722dupC).
Protein change: p.Leu3908fs; shifts the reading frame from leucine 3908.
Molecular consequence: frameshift variant.
Genome position (GRCh38, 1-based): chr16:2,091,165, G duplicated on the plus strand (C on the coding strand, the reverse complement: PKD1 is on the minus strand). VCF-style (leftmost placement, unchanged base first): chr16-2091164-A-AG. GRCh37 (hg19) VCF-style: chr16-2141165-A-AG.
Other names: c.11719dup, p.Leu3907fs (NM_000296.4); c.11722dupC (NM_001009944.2); short protein forms L3907fs, L3908fs.
Identifiers: ClinVar variation 2441901 (VCV002441901.2), dbSNP rs2544600781, ClinGen allele CA2575877184.